The following is an entry in ClinVar:

ClinVar aggregate classification (germline): Uncertain significance. Review status: criteria provided, multiple submitters, no conflicts (2 of 4 stars). 8 submissions from 8 submitters: Uncertain significance (7). 1 of the submissions does not count toward it. Last evaluated 2026-03-26.

Conditions:
Hereditary cancer-predisposing syndrome. Also called: Tumor predisposition; Hereditary Cancer Syndrome; Hereditary neoplastic syndrome; Neoplastic Syndromes, Hereditary. Identifiers: Orphanet 140162, MedGen C0027672, MeSH D009386, MONDO:0015356.
Classic or attenuated familial adenomatous polyposis. Identifiers: MedGen CN372698, MONDO:0021057.
Familial adenomatous polyposis 1 (FAP1). Also called: FAMILIAL ADENOMATOUS POLYPOSIS 1, ATTENUATED; POLYPOSIS, ADENOMATOUS INTESTINAL. Identifiers: MedGen C2713442, MONDO:0021056, OMIM 175100. Disease mechanism: loss of function.
Neoplasm of the liver. Identifiers: MedGen C0023903, HP:0002896.

Allele frequency attached by ClinVar (database versions not stated): gnomAD exomes below 0.00001 and 0.00001; gnomAD 0.00001; TOPMed 0.00001; ExAC 0.00002.
gnomAD v4.1: 8 of 1,613,168 alleles (0.0005%); highest among the groups gnomAD compares: East Asian, 0.0022%; no homozygotes.

Submissions (8):

Women's Health and Genetics/Laboratory Corporation of America, LabCorp
Classification: Uncertain significance. Last evaluated: 2026-03-26. Review status: criteria provided, single submitter. Criteria: LabCorp Variant Classification Summary - May 2015. Collection method: clinical testing. Allele origin: germline.

Color Diagnostics, LLC DBA Color Health
Classification: Uncertain significance for Hereditary cancer-predisposing syndrome. Last evaluated: 2025-09-11. Review status: criteria provided, single submitter. Criteria: ACMG Guidelines, 2015. Collection method: clinical testing. Allele origin: germline.
Comment: This missense variant replaces methionine with valine at codon 526 of the APC protein. Computational prediction is inconclusive regarding the impact of this variant on protein structure and function. APC is defined as a gene for which primarily truncating variants are known to cause disease (ClinGen HCCP VCEP).\\ To our knowledge, functional studies have not been reported for this variant. This variant has not been reported in individuals affected with APC-related disorders in the literature. This variant has been identified in 3/282328 chromosomes in the general population by the Genome Aggregation Database (gnomAD). The available evidence is insufficient to determine the role of this variant in disease conclusively. Therefore, this variant is classified as a Variant of Uncertain Significance.

GeneDx
Classification: Uncertain significance. Last evaluated: 2025-03-12. Review status: criteria provided, single submitter. Criteria: GeneDx Variant Classification Process June 2021. Collection method: clinical testing. Allele origin: germline. Affected: yes.
Comment: Not observed at significant frequency in large population cohorts (gnomAD); In silico analysis supports that this missense variant has a deleterious effect on protein structure/function; Has not been previously published as pathogenic or benign to our knowledge; This variant is associated with the following publications: (PMID: 18199528)

Labcorp Genetics (formerly Invitae), Labcorp
Classification: Uncertain significance for Familial adenomatous polyposis 1. Last evaluated: 2024-05-22. Review status: criteria provided, single submitter. Criteria: Invitae Variant Classification Sherloc (09022015). Collection method: clinical testing. Allele origin: germline.
Comment: This sequence change replaces methionine, which is neutral and non-polar, with valine, which is neutral and non-polar, at codon 526 of the APC protein (p.Met526Val). This variant is present in population databases (rs777219286, gnomAD 0.005%). This variant has not been reported in the literature in individuals affected with APC-related conditions. ClinVar contains an entry for this variant (Variation ID: 489416). Advanced modeling of protein sequence and biophysical properties (such as structural, functional, and spatial information, amino acid conservation, physicochemical variation, residue mobility, and thermodynamic stability) performed at Invitae indicates that this missense variant is not expected to disrupt APC protein function with a negative predictive value of 95%. In summary, the available evidence is currently insufficient to determine the role of this variant in disease. Therefore, it has been classified as a Variant of Uncertain Significance.

Ambry Genetics
Classification: Uncertain significance for Hereditary cancer-predisposing syndrome. Last evaluated: 2024-04-24. Review status: criteria provided, single submitter. Criteria: Ambry Variant Classification Scheme 2023. Collection method: clinical testing. Allele origin: germline.
Comment: The p.M526V variant (also known as c.1576A>G), located in coding exon 12 of the APC gene, results from an A to G substitution at nucleotide position 1576. The methionine at codon 526 is replaced by valine, an amino acid with highly similar properties. This amino acid position is highly conserved in available vertebrate species. In addition, in silico predictors for this gene do not accurately predict pathogenicity. Since supporting evidence is limited at this time, the clinical significance of this alteration remains unclear.

All of Us Research Program, National Institutes of Health
Classification: Uncertain significance for Classic or attenuated familial adenomatous polyposis. Last evaluated: 2024-03-05. Review status: criteria provided, single submitter. Criteria: ACMG Guidelines, 2015. Collection method: clinical testing. Allele origin: germline. Inheritance: Autosomal dominant inheritance. Observed: 1 variant allele, 1 heterozygote.
Comment: This missense variant replaces methionine with valine at codon 526 of the APC protein. Computational prediction is inconclusive regarding the impact of this variant on protein structure and function (internally defined REVEL score threshold 0.5 < inconclusive < 0.7, PMID: 27666373). To our knowledge, functional studies have not been reported for this variant. This variant has not been reported in individuals affected with hereditary cancer in the literature. This variant has been identified in 3/282328 chromosomes in the general population by the Genome Aggregation Database (gnomAD). The available evidence is insufficient to determine the role of this variant in disease conclusively. Therefore, this variant is classified as a Variant of Uncertain Significance.

This study involves interpretation of variants in research participants for the purpose of population health screening. Participant phenotype was not available at the time of variant classification. Additional details can be found in publication PMID: 35346344, PMCID: PMC8962531

Sema4
Classification: Uncertain significance for Hereditary cancer-predisposing syndrome. Last evaluated: 2021-08-19. Review status: criteria provided, single submitter. Criteria: Sema4 Curation Guidelines. Collection method: curation. Allele origin: germline.
Comment: The APC c.1576A>G (p.M526V) variant has not been reported in literature to our knowledge. This variant was observed in 3/282328 chromosomes in the large and broad cohorts of the Genome Aggregation Database (PMID: 32461654). This variant has been reported in ClinVar (Variation ID 489416). Functional studies have not been performed, and in silico tool predictions of the variant's effect on sequence changes are not available. The overall evidence is insufficient to meet ACMG/AMP criteria for classifying it as benign or pathogenic. In summary, the clinical significance of this variant is currently uncertain.

3DMed Clinical Laboratory Inc
Classification: Uncertain significance for Neoplasm of the liver. Last evaluated: 2017-06-28. Review status: no assertion criteria provided. Criteria: ACMG Guidelines, 2015. Collection method: clinical testing. Allele origin: germline. Affected: yes. Not counted in ClinVar's aggregate classification.

NM_000038.6(APC):c.1576A>G (p.Met526Val)

Gene: APC (APC regulator of Wnt signaling pathway; plus strand). Cytogenetic location: 5q22.2.
Variant type: single nucleotide variant.
Coding change: c.1576A>G on transcript NM_000038.6 (MANE Select); coding-DNA position 1576, A replaced by G.
Protein change: p.Met526Val; replaces methionine 526 with valine.
Molecular consequence: missense variant.
Genome position (GRCh38, 1-based): chr5:112,827,956, A>G. VCF-style: chr5-112827956-A-G. GRCh37 (hg19) VCF-style: chr5-112163653-A-G.
Other names: c.1576A>G, p.Met526Val (NM_001127510.3, NM_001354895.2); c.1522A>G, p.Met508Val (NM_001127511.3); c.1630A>G, p.Met544Val (NM_001354896.2); c.1606A>G, p.Met536Val (NM_001354897.2); c.1501A>G, p.Met501Val (NM_001354898.2); c.1492A>G, p.Met498Val (NM_001354899.2); c.1453A>G, p.Met485Val (NM_001354900.2); c.1399A>G, p.Met467Val (NM_001354901.2); and 5 more; short protein forms M508V, M526V, M366V, M400V, M243V, M467V, M485V, M544V.
Identifiers: ClinVar variation 489416 (VCV000489416.25), dbSNP rs777219286, ClinGen allele CA028461.